The following is an entry in ClinVar:

NC_000016.10:g.(?_89738591)_(89816625_?)del

Genes: ZNF276 (zinc finger protein 276; plus strand), FANCA (FA complementation group A; minus strand), LOC132090448 (Neanderthal introgressed variant-containing enhancer experimental_46713; plus strand), LOC132090449 (Neanderthal introgressed variant-containing enhancer experimental_46714; plus strand), LOC132090450 (Neanderthal introgressed variant-containing enhancer experimental_46718; plus strand) and 8 more. Cytogenetic location: 16q24.3.
Variant type: Deletion.
Identifiers: ClinVar variation 652972 (VCV000652972.3).

ClinVar aggregate classification (germline): Pathogenic (1 of 4 stars; one submission).

Conditions:
Fanconi anemia (FA). Also called: Fanconi's anemia. Identifiers: Orphanet 84, MedGen C0015625, MeSH D005199, MONDO:0019391.

Submission:

Labcorp Genetics (formerly Invitae), Labcorp
Classification: Pathogenic for Fanconi anemia. Last evaluated: 2022-10-27. Review status: criteria provided, single submitter. Criteria: Invitae Variant Classification Sherloc (09022015). Collection method: clinical testing. Allele origin: germline.
Comment: A gross deletion of the genomic region encompassing the full coding sequence of the FANCA gene has been identified. Loss-of-function variants in FANCA are known to be pathogenic (PMID: 19367192). The boundaries of this event are unknown as they extend beyond the assayed region for this gene and therefore may encompass additional genes. A similar copy number variant has been observed in individual(s) with FANCA-related conditions and/or Fanconi anemia (PMID: 9721219, 16084127, 29098742; Invitae). In at least one individual the data is consistent with being in trans (on the opposite chromosome) from a pathogenic variant. For these reasons, this variant has been classified as Pathogenic.

Literature cited by the submitters: PubMed 19367192; PubMed 9721219; PubMed 16084127; PubMed 29098742.